The following is an entry in ClinVar:

NM_000059.4(BRCA2):c.9125A>G (p.Asp3042Gly)

Gene: BRCA2 (BRCA2 DNA repair associated; plus strand). Cytogenetic location: 13q13.1.
Variant type: single nucleotide variant.
Coding change: c.9125A>G on transcript NM_000059.4 (MANE Select); coding-DNA position 9125, A replaced by G.
Protein change: p.Asp3042Gly; replaces aspartic acid 3042 with glycine.
Molecular consequence: missense variant.
Genome position (GRCh38, 1-based): chr13:32,380,014, A>G. VCF-style: chr13-32380014-A-G. GRCh37 (hg19) VCF-style: chr13-32954151-A-G.
Other names: short protein forms D3042G.
Identifiers: ClinVar variation 186500 (VCV000186500.15), dbSNP rs786203001, ClinGen allele CA026000.

ClinVar aggregate classification (germline): Conflicting classifications of pathogenicity. Review status: criteria provided, conflicting classifications (1 of 4 stars). 3 submissions from 3 submitters: Uncertain significance (2); Likely benign (1). Last evaluated 2025-05-15.

Conditions:
Hereditary cancer-predisposing syndrome. Also called: Neoplastic Syndromes, Hereditary; Tumor predisposition; Hereditary Cancer Syndrome; Hereditary neoplastic syndrome. Identifiers: Orphanet 140162, MedGen C0027672, MeSH D009386, MONDO:0015356.
Hereditary breast ovarian cancer syndrome. Also called: Hereditary breast and ovarian cancer; Hereditary breast and/or ovarian cancer syndrome; BRCA1- and BRCA2-Associated Hereditary Breast and Ovarian Cancer; Hereditary breast and ovarian cancer syndrome (HBOC); Hereditary breast and ovarian cancer syndrome; Breast and ovarian cancer. Identifiers: Orphanet 145, MedGen C0677776, MeSH D061325, MONDO:0003582. Disease mechanism: loss of function.

Submissions (3):

Ambry Genetics
Classification: Likely benign for Hereditary cancer-predisposing syndrome. Last evaluated: 2025-05-15. Review status: criteria provided, single submitter. Criteria: Ambry Variant Classification Scheme 2023. Collection method: clinical testing. Allele origin: germline.

GeneDx
Classification: Uncertain significance. Last evaluated: 2022-04-19. Review status: criteria provided, single submitter. Criteria: GeneDx Variant Classification Process June 2021. Collection method: clinical testing. Allele origin: germline. Affected: yes.
Comment: Not observed at significant frequency in large population cohorts (gnomAD); In silico analysis supports that this missense variant does not alter protein structure/function; Has not been previously published as pathogenic or benign to our knowledge; Also known as 9353A>G; This variant is associated with the following publications: (PMID: 12228710)

Labcorp Genetics (formerly Invitae), Labcorp
Classification: Uncertain significance for Hereditary breast ovarian cancer syndrome. Last evaluated: 2021-03-31. Review status: criteria provided, single submitter. Criteria: Invitae Variant Classification Sherloc (09022015). Collection method: clinical testing. Allele origin: germline.
Comment: This variant has not been reported in the literature in individuals with BRCA2-related conditions. ClinVar contains an entry for this variant (Variation ID: 186500). This variant is not present in population databases (ExAC no frequency). This sequence change replaces aspartic acid with glycine at codon 3042 of the BRCA2 protein (p.Asp3042Gly). The aspartic acid residue is weakly conserved and there is a moderate physicochemical difference between aspartic acid and glycine. Advanced modeling of protein sequence and biophysical properties (such as structural, functional, and spatial information, amino acid conservation, physicochemical variation, residue mobility, and thermodynamic stability) performed at Invitae indicates that this missense variant is not expected to disrupt BRCA2 protein function. In summary, the available evidence is currently insufficient to determine the role of this variant in disease. Therefore, it has been classified as a Variant of Uncertain Significance. Algorithms developed to predict the effect of sequence changes on RNA splicing suggest that this variant may create or strengthen a splice site, but this prediction has not been confirmed by published transcriptional studies.